The following is an entry in ClinVar:

NM_001267550.2(TTN):c.32515G>T (p.Ala10839Ser)

Gene: TTN (titin; minus strand). Cytogenetic location: 2q31.2.
Variant type: single nucleotide variant.
Coding change: c.32515G>T on transcript NM_001267550.2 (MANE Select); coding-DNA position 32515, G replaced by T.
Protein change: p.Ala10839Ser; replaces alanine 10839 with serine.
Molecular consequence: missense variant. On other transcripts: intron variant (3).
Genome position (GRCh38, 1-based): chr2:178,684,945, C>A on the plus strand (G>T on the coding strand, the complement: TTN is on the minus strand). VCF-style: chr2-178684945-C-A. GRCh37 (hg19) VCF-style: chr2-179549672-C-A.
Other names: c.31564G>T, p.Ala10522Ser (NM_001256850.1); c.13283-42628G>T (NM_003319.4); c.13859-42628G>T (NM_133437.4); c.13658-42628G>T (NM_133432.3); c.28783G>T, p.Ala9595Ser (NM_133378.4); short protein forms A10839S, A9595S, A10522S.
Identifiers: ClinVar variation 166111 (VCV000166111.7), dbSNP rs727503635, ClinGen allele CA178910.
Genomic context (GRCh38, chr2:178,684,945, plus strand): 5'-ATAAAATAAAATCCAATATACCTTTAGGTGGGGGCACCTTTTCCTTTTTAGGAACTGGAG[C>A]AGGAACTTTCTTTTCTGGCACAATTTTCTTAGGTGCTTCAGGAACTTTAGAAAGATTAGG-3'
Protein context (NP_001254479.2, residues 10829-10849): KKIVPEKKVP[Ala10839Ser]PVPKKEKVPP

ClinVar aggregate classification (germline): Conflicting classifications of pathogenicity. Review status: criteria provided, conflicting classifications (1 of 4 stars). 3 submissions from 3 submitters: Uncertain significance (2); Likely benign (1). Last evaluated 2025-10-30.

Conditions:
TTN-related disorder. Also called: TTN-related condition; TTN-related disease; TTN-related disorders.

Allele frequency attached by ClinVar (database versions not stated): gnomAD exomes below 0.00001 and 0.00003; ExAC 0.00001.
gnomAD v4.1: 42 of 1,609,074 alleles (0.0026%); highest among the groups gnomAD compares: Non-Finnish European, 0.0036%; no homozygotes.

Submissions (3):

PreventionGenetics, part of Exact Sciences
Classification: Uncertain significance for TTN-related condition. Last evaluated: 2025-10-30. Review status: criteria provided, single submitter. Criteria: ACMG Guidelines, 2015. Collection method: clinical testing. Allele origin: germline.
Comment: The TTN c.32515G>T variant is predicted to result in the amino acid substitution p.Ala10839Ser. This variant has been reported in an individual with dilated cardiomyopathy (Table S7, Mazzarotto et al. 2020. PubMed ID: 31983221). This variant is reported in 0.00092% of alleles in individuals of European (Non-Finnish) descent in gnomAD. At this time, the clinical significance of this variant is uncertain due to the absence of conclusive functional and genetic evidence.

Women's Health and Genetics/Laboratory Corporation of America, LabCorp
Classification: Uncertain significance. Last evaluated: 2022-06-06. Review status: criteria provided, single submitter. Criteria: LabCorp Variant Classification Summary - May 2015. Collection method: clinical testing. Allele origin: germline.

Laboratory for Molecular Medicine, Mass General Brigham Personalized Medicine
Classification: Likely benign. Last evaluated: 2018-03-22. Review status: criteria provided, single submitter. Criteria: LMM Criteria. Collection method: clinical testing. Allele origin: germline. Observed: 2 variant alleles.
Comment: p.Ala9595Ser in exon 127 of TTN: This variant classified as likely benign becaus e computational prediction tools and conservation analysis do not predict an imp act on the protein. In addition, the majority of pathogenic variants reported in the TTN gene are loss-of-function variants located in the A-band or in other hi ghly expressed exons. This is a missense variant located in the I-band, in an ex on that is not highly expressed in the heart. It has also been identified in 1/1 07056 European chromosomes by the Genome Aggregation Database (gnomAD; dbSNP rs727503635); however, coverage of this region wa s poor. ACMG/AMP Criteria applied: BP1; BP4.